The following is an entry in ClinVar:

ClinVar aggregate classification (germline): Uncertain significance (1 of 4 stars; one submission).

Submission:

Labcorp Genetics (formerly Invitae), Labcorp
Classification: Uncertain significance. Last evaluated: 2025-12-01. Review status: criteria provided, single submitter. Criteria: Invitae Variant Classification Sherloc (09022015). Collection method: clinical testing. Allele origin: germline.
Comment: This sequence change replaces lysine, which is basic and polar, with arginine, which is basic and polar, at codon 1084 of the MYH3 protein (p.Lys1084Arg). This variant is not present in population databases (gnomAD no frequency). This variant has not been reported in the literature in individuals affected with MYH3-related conditions. An algorithm developed to predict the effect of missense changes on protein structure and function (PolyPhen-2) suggests that this variant is likely to be tolerated. In summary, the available evidence is currently insufficient to determine the role of this variant in disease. Therefore, it has been classified as a Variant of Uncertain Significance.

NM_002470.4(MYH3):c.3251A>G (p.Lys1084Arg)

Gene: MYH3 (myosin heavy chain 3; minus strand). Cytogenetic location: 17p13.1.
Variant type: single nucleotide variant.
Coding change: c.3251A>G on transcript NM_002470.4 (MANE Select); coding-DNA position 3251, A replaced by G.
Protein change: p.Lys1084Arg; replaces lysine 1084 with arginine.
Molecular consequence: missense variant.
Genome position (GRCh38, 1-based): chr17:10,638,961, T>C on the plus strand (A>G on the coding strand, the complement: MYH3 is on the minus strand). VCF-style: chr17-10638961-T-C. GRCh37 (hg19) VCF-style: chr17-10542278-T-C.
Other names: short protein forms K1084R.
Identifiers: ClinVar variation 4730309 (VCV004730309.1).